The following is an entry in ClinVar:

ClinVar aggregate classification (germline): Uncertain significance. Review status: criteria provided, multiple submitters, no conflicts (2 of 4 stars). 2 submissions from 2 submitters: Uncertain significance (2). Last evaluated 2026-01-18.

Allele frequency attached by ClinVar (database versions not stated): ESP Exome Variant Server 0.00054; 1000 Genomes Project 0.00120; 1000 Genomes Project 30x 0.00125.
gnomAD v4.1: 514 of 1,614,146 alleles (0.032%); highest among the groups gnomAD compares: African/African-American, 0.14%; no homozygotes.

Submissions (2):

Labcorp Genetics (formerly Invitae), Labcorp
Classification: Uncertain significance. Last evaluated: 2026-01-18. Review status: criteria provided, single submitter. Criteria: Invitae Variant Classification Sherloc (09022015). Collection method: clinical testing. Allele origin: germline.
Comment: This sequence change replaces arginine, which is basic and polar, with glycine, which is neutral and non-polar, at codon 233 of the FBN3 protein (p.Arg233Gly). This variant is present in population databases (rs150892478, gnomAD 0.2%), and has an allele count higher than expected for a pathogenic variant. This variant has not been reported in the literature in individuals affected with FBN3-related conditions. ClinVar contains an entry for this variant (Variation ID: 2051073). An algorithm developed to predict the effect of missense changes on protein structure and function (PolyPhen-2) suggests that this variant is likely to be disruptive. In summary, the available evidence is currently insufficient to determine the role of this variant in disease. Therefore, it has been classified as a Variant of Uncertain Significance.

Women's Health and Genetics/Laboratory Corporation of America, LabCorp
Classification: Uncertain significance. Last evaluated: 2024-10-16. Review status: criteria provided, single submitter. Criteria: LabCorp Variant Classification Summary - May 2015. Collection method: clinical testing. Allele origin: germline.
Comment: Variant summary: FBN3 c.697C>G (p.Arg233Gly) results in a non-conservative amino acid change in the encoded protein sequence. Four of five in-silico tools predict a damaging effect of the variant on protein function. The variant allele was found at a frequency of 0.00046 in 250386 control chromosomes, predominantly at a frequency of 0.0019 within the African or African-American subpopulation in the gnomAD database. This frequency is not significantly higher than estimated for a pathogenic variant in FBN3 causing FBN3-Related Disorders, allowing no conclusion about variant significance. c.697C>G has been reported in the literature in individuals affected with Leigh Syndrome (Lim_2014). This report does not provide unequivocal conclusions about association of the variant with FBN3-Related Disorders. To our knowledge, no experimental evidence demonstrating an impact on protein function has been reported. The following publication have been ascertained in the context of this evaluation (PMID: 24462369). ClinVar contains an entry for this variant (Variation ID: 2051073). Based on the evidence outlined above, the variant was classified as uncertain significance.

Literature cited by the submitters: PubMed 24462369 (cited by Women's Health and Genetics/Laboratory Corporation of America, LabCorp).

NM_032447.5(FBN3):c.697C>G (p.Arg233Gly)

Gene: FBN3 (fibrillin 3; minus strand). Cytogenetic location: 19p13.2.
Variant type: single nucleotide variant.
Coding change: c.697C>G on transcript NM_032447.5 (MANE Select); coding-DNA position 697, C replaced by G.
Protein change: p.Arg233Gly; replaces arginine 233 with glycine.
Molecular consequence: missense variant.
Genome position (GRCh38, 1-based): chr19:8,141,982, G>C on the plus strand (C>G on the coding strand, the complement: FBN3 is on the minus strand). VCF-style: chr19-8141982-G-C. GRCh37 (hg19) VCF-style: chr19-8206866-G-C.
Other names: c.697C>G, p.Arg233Gly (NM_001321431.2); short protein forms R233G.
Identifiers: ClinVar variation 2051073 (VCV002051073.5), dbSNP rs150892478, ClinGen allele CA9153635.
Genomic context (GRCh38, chr19:8,141,982, plus strand): 5'-CCTGACCCCACTATTCACCTTGGCAGGCCCCCGTGTGGATATTGGGGATGAAGCCGCGGC[G>C]GCAGGGGTGTGGCTGTGCAGGGCAAAGTTCACATGGAAGGCCCCAGGCACGGCCCACAGT-3'
Protein context (NP_115823.3, residues 223-243): ELCPAQPHPC[Arg233Gly]RGFIPNIHTG